The following is an entry in ClinVar:

ClinVar aggregate classification (germline): Likely benign (1 of 4 stars; one submission).

gnomAD v4.1: 1 of 1,238,218 alleles (0.000081%); highest among the groups gnomAD compares: Non-Finnish European, 0.0001%; no homozygotes.

Submission:

CeGaT Center for Human Genetics Tuebingen
Classification: Likely benign. Last evaluated: 2026-08-01. Review status: criteria provided, single submitter. Criteria: CeGaT Center For Human Genetics Tuebingen Variant Classification Criteria Version 2. Collection method: clinical testing. Allele origin: germline. Affected: yes. Observed: 1 variant allele.
Comment: SLC12A2: BP4, BP7

NM_001046.3(SLC12A2):c.300G>A (p.Ala100=)

Genes: SLC12A2 (solute carrier family 12 member 2; plus strand), LOC129994526 (ATAC-STARR-seq lymphoblastoid silent region 16295; plus strand). Cytogenetic location: 5q23.3.
Variant type: single nucleotide variant.
Coding change: c.300G>A on transcript NM_001046.3 (MANE Select); coding-DNA position 300, G replaced by A.
Protein change: p.Ala100=; no amino-acid change (alanine 100 retained).
Molecular consequence: synonymous variant. On other transcripts: non-coding transcript variant (1).
Genome position (GRCh38, 1-based): chr5:128,084,254, G>A. VCF-style: chr5-128084254-G-A. GRCh37 (hg19) VCF-style: chr5-127419946-G-A.
Other names: c.300G>A, p.Ala100= (NM_001256461.2).
Identifiers: ClinVar variation 5038600 (VCV005038600.1).